The following is an entry in ClinVar:

ClinVar aggregate classification (germline): Uncertain significance (1 of 4 stars; one submission).

Submission:

Labcorp Genetics (formerly Invitae), Labcorp
Classification: Uncertain significance. Last evaluated: 2023-06-20. Review status: criteria provided, single submitter. Criteria: Invitae Variant Classification Sherloc (09022015). Collection method: clinical testing. Allele origin: germline.
Comment: This sequence change replaces lysine, which is basic and polar, with asparagine, which is neutral and polar, at codon 579 of the NEFH protein (p.Lys579Asn). In summary, the available evidence is currently insufficient to determine the role of this variant in disease. Therefore, it has been classified as a Variant of Uncertain Significance. Advanced modeling of protein sequence and biophysical properties (such as structural, functional, and spatial information, amino acid conservation, physicochemical variation, residue mobility, and thermodynamic stability) performed at Invitae indicates that this missense variant is not expected to disrupt NEFH protein function. This variant has not been reported in the literature in individuals affected with NEFH-related conditions. This variant is not present in population databases (gnomAD no frequency).

NM_021076.4(NEFH):c.1737G>C (p.Lys579Asn)

Gene: NEFH (neurofilament heavy chain; plus strand). Cytogenetic location: 22q12.2.
Variant type: single nucleotide variant.
Coding change: c.1737G>C on transcript NM_021076.4 (MANE Select); coding-DNA position 1737, G replaced by C.
Protein change: p.Lys579Asn; replaces lysine 579 with asparagine.
Molecular consequence: missense variant.
Genome position (GRCh38, 1-based): chr22:29,489,377, G>C. VCF-style: chr22-29489377-G-C. GRCh37 (hg19) VCF-style: chr22-29885366-G-C.
Other names: short protein forms K579N.
Identifiers: ClinVar variation 2719494 (VCV002719494.3), dbSNP rs2517977403, ClinGen allele CA411131617.